The following is an entry in ClinVar:

ClinVar aggregate classification (germline): Pathogenic (1 of 4 stars; one submission).

Conditions:
ALG6-congenital disorder of glycosylation 1C (CDG1C). Also called: Congenital disorder of glycosylation, type Ic; CARBOHYDRATE-DEFICIENT GLYCOPROTEIN SYNDROME, TYPE I, WITH DEFICIENT GLYCOSYLATION OF DOLICHOL-LINKED OLIGOSACCHARIDE; CARBOHYDRATE-DEFICIENT GLYCOPROTEIN SYNDROME, TYPE V; Congenital disorder of glycosylation type 1C; CDG Ic. Identifiers: Orphanet 79320, MedGen C2930997, MONDO:0011291, OMIM 603147.

Submission:

Labcorp Genetics (formerly Invitae), Labcorp
Classification: Pathogenic for ALG6-congenital disorder of glycosylation 1C. Last evaluated: 2023-09-18. Review status: criteria provided, single submitter. Criteria: Invitae Variant Classification Sherloc (09022015). Collection method: clinical testing. Allele origin: germline.
Comment: For these reasons, this variant has been classified as Pathogenic. ClinVar contains an entry for this variant (Variation ID: 960558). This variant has not been reported in the literature in individuals affected with ALG6-related conditions. This variant is not present in population databases (gnomAD no frequency). This sequence change creates a premature translational stop signal (p.Leu151Cysfs*9) in the ALG6 gene. It is expected to result in an absent or disrupted protein product. Loss-of-function variants in ALG6 are known to be pathogenic (PMID: 19862844).

Literature cited by the submitters: PubMed 19862844.

NM_013339.4(ALG6):c.452del (p.Leu151fs)

Gene: ALG6 (ALG6 alpha-1,3-glucosyltransferase; plus strand). Cytogenetic location: 1p31.3.
Variant type: Deletion.
Coding change: c.452del on transcript NM_013339.4 (MANE Select); coding-DNA position 452, one base deleted (T; older notation c.452delT).
Protein change: p.Leu151fs; shifts the reading frame from leucine 151.
Molecular consequence: frameshift variant.
Genome position (GRCh38, 1-based): chr1:63,407,084, T deleted; the last of 2 consecutive T bases (chr1:63,407,083-63,407,084); deleting either gives the same sequence. VCF-style (leftmost placement, unchanged base first): chr1-63407082-CT-C. GRCh37 (hg19) VCF-style: chr1-63872753-CT-C.
Other names: short protein forms L151fs.
Identifiers: ClinVar variation 960558 (VCV000960558.7), dbSNP rs1349358854, ClinGen allele CA737736757.
Genomic context (GRCh38, chr1:63,407,082, plus strand): 5'-AACAGATTACTTTCTTATCTCACAATATTTGTCTTTACAGATTGCTAATGCATTATGCAT[CT>C]TGCTGTATCCAGGCCTTATTCTTATAGACTATGGACATTTTCAGTATCCTTTACTAATGC-3'